The following is an entry in ClinVar:

ClinVar aggregate classification (germline): Likely benign (1 of 4 stars; one submission).

Submission:

CeGaT Center for Human Genetics Tuebingen
Classification: Likely benign. Last evaluated: 2024-11-01. Review status: criteria provided, single submitter. Criteria: CeGaT Center For Human Genetics Tuebingen Variant Classification Criteria Version 2. Collection method: clinical testing. Allele origin: germline. Affected: yes. Observed: 2 variant alleles.
Comment: CFTR: PM2:Supporting, BP4, BP7

NM_000492.4(CFTR):c.1321C>T (p.Leu441=)

Genes: CFTR (CF transmembrane conductance regulator; plus strand), CFTR-AS1 (CFTR antisense RNA 1; minus strand). Cytogenetic location: 7q31.2.
Variant type: single nucleotide variant.
Coding change: c.1321C>T on transcript NM_000492.4 (MANE Select); coding-DNA position 1321, C replaced by T.
Protein change: p.Leu441=; no amino-acid change (leucine 441 retained).
Molecular consequence: synonymous variant.
Genome position (GRCh38, 1-based): chr7:117,548,752, C>T. VCF-style: chr7-117548752-C-T. GRCh37 (hg19) VCF-style: chr7-117188806-C-T.
Identifiers: ClinVar variation 2657958 (VCV002657958.24), dbSNP rs1303584192, ClinGen allele CA457227850.
Genomic context (GRCh38, chr7:117,548,752, plus strand): 5'-ACTTCTAATGGTGATGACAGCCTCTTCTTCAGTAATTTCTCACTTCTTGGTACTCCTGTC[C>T]TGAAAGATATTAATTTCAAGATAGAAAGAGGACAGTTGTTGGCGGTTGCTGGATCCACTG-3'
Protein context (NP_000483.3, residues 431-451): SNFSLLGTPV[Leu441=]KDINFKIERG